The following is an entry in ClinVar:

ClinVar aggregate classification (germline): Conflicting classifications of pathogenicity. Review status: criteria provided, conflicting classifications (1 of 4 stars). 3 submissions from 3 submitters: Uncertain significance (1); Benign (2). Last evaluated 2026-02-02.

Conditions:
3M syndrome 2. Also called: 3-M Syndrome, OBSL1-Related; THREE M SYNDROME 2. Identifiers: Orphanet 2616, MedGen C2752041, MONDO:0013039, OMIM 612921.

Allele frequency attached by ClinVar (database versions not stated): gnomAD 0.00029 and 0.00038; gnomAD exomes 0.00106; 1000 Genomes Project 30x 0.00109; ExAC 0.00115; TOPMed 0.00126; 1000 Genomes Project 0.00140.
gnomAD v4.1: 471 of 1,613,538 alleles (0.029%); highest among the groups gnomAD compares: East Asian, 0.9%; 3 homozygotes.

Submissions (3):

Labcorp Genetics (formerly Invitae), Labcorp
Classification: Benign. Last evaluated: 2026-02-02. Review status: criteria provided, single submitter. Criteria: Invitae Variant Classification Sherloc (09022015). Collection method: clinical testing. Allele origin: germline.

Illumina Laboratory Services, Illumina
Classification: Benign for 3M syndrome 2. Last evaluated: 2018-01-13. Review status: criteria provided, single submitter. Criteria: ICSL Variant Classification Criteria 13 December 2019. Collection method: clinical testing. Allele origin: germline.
Comment: This variant was observed in the ICSL laboratory as part of a predisposition screen in an ostensibly healthy population. It had not been previously curated by ICSL or reported in the Human Gene Mutation Database (HGMD: prior to June 1st, 2018), and was therefore a candidate for classification through an automated scoring system. Utilizing variant allele frequency, disease prevalence and penetrance estimates, and inheritance mode, an automated score was calculated to assess if this variant is too frequent to cause the disease. Based on the score and internal cut-off values, a variant classified as benign is not then subjected to further curation. The score for this variant resulted in a classification of benign for this disease.

Eurofins Ntd Llc (ga)
Classification: Uncertain significance. Last evaluated: 2014-10-21. Review status: criteria provided, single submitter. Criteria: EGL Classification Definitions 2015. Collection method: clinical testing. Allele origin: germline. Observed: 1 variant allele, 1 heterozygote.

NM_015311.3(OBSL1):c.1599G>A (p.Thr533=)

Gene: OBSL1 (obscurin like cytoskeletal adaptor 1; minus strand). Cytogenetic location: 2q35.
Variant type: single nucleotide variant.
Coding change: c.1599G>A on transcript NM_015311.3 (MANE Select); coding-DNA position 1599, G replaced by A.
Protein change: p.Thr533=; no amino-acid change (threonine 533 retained).
Molecular consequence: synonymous variant.
Genome position (GRCh38, 1-based): chr2:219,567,511, C>T on the plus strand (G>A on the coding strand, the complement: OBSL1 is on the minus strand). VCF-style: chr2-219567511-C-T. GRCh37 (hg19) VCF-style: chr2-220432233-C-T.
Other names: c.1599G>A, p.Thr533= (NM_001173408.2, NM_001173431.2).
Identifiers: ClinVar variation 197305 (VCV000197305.18), dbSNP rs149009269, ClinGen allele CA245351.
Genomic context (GRCh38, chr2:219,567,511, plus strand): 5'-CAGCCGGTAGATGAATGGGGTCTCGGGAGCTGGCTCGGGAGGCTTCCAGGTCAACAGGAC[C>T]GTGTTCTTGTGGCCCTTGAACATCTCTGCCAATATGGGGGGTCCTGGGGGACTGTGCTTG-3'
Protein context (NP_056126.1, residues 523-543): LAEMFKGHKN[Thr533=]VLLTWKPPEP